The following is an entry in ClinVar:

NM_000227.6(LAMA3):c.76C>A (p.Leu26Met)

Genes: LAMA3 (laminin subunit alpha 3; plus strand), LOC126862707 (MED14-independent group 3 enhancer GRCh37_chr18:21452354-21453553; plus strand). Cytogenetic location: 18q11.2.
Variant type: single nucleotide variant.
Coding change: c.76C>A on transcript NM_000227.6 (MANE Plus Clinical); coding-DNA position 76, C replaced by A.
Protein change: p.Leu26Met; replaces leucine 26 with methionine.
Molecular consequence: missense variant. On other transcripts: intron variant (2).
Genome position (GRCh38, 1-based): chr18:23,873,120, C>A. VCF-style: chr18-23873120-C-A. GRCh37 (hg19) VCF-style: chr18-21453084-C-A.
Other names: c.76C>A, p.Leu26Met (NM_001127718.4); c.4998+1459C>A (NM_198129.4, NM_001127717.4); short protein forms L26M.
Identifiers: ClinVar variation 742547 (VCV000742547.12), dbSNP rs148634422, ClinGen allele CA8915817.

ClinVar aggregate classification (germline): Likely benign. Review status: criteria provided, multiple submitters, no conflicts (2 of 4 stars). 3 submissions from 3 submitters: Likely benign (3). Last evaluated 2026-01-16.

Conditions:
LAMA3-related disorder. Also called: LAMA3-related condition; LAMA3-related disorders.

Allele frequency attached by ClinVar (database versions not stated): gnomAD exomes 0.00007 and 0.00019; ExAC 0.00026; ESP Exome Variant Server 0.00069; gnomAD 0.00076 and 0.00077; TOPMed 0.00087; 1000 Genomes Project 0.00120; 1000 Genomes Project 30x 0.00156.
gnomAD v4.1: 237 of 1,614,236 alleles (0.015%); highest among the groups gnomAD compares: African/African-American, 0.26%; 1 homozygote.

Submissions (3):

Labcorp Genetics (formerly Invitae), Labcorp
Classification: Likely benign. Last evaluated: 2026-01-16. Review status: criteria provided, single submitter. Criteria: Invitae Variant Classification Sherloc (09022015). Collection method: clinical testing. Allele origin: germline.

PreventionGenetics, part of Exact Sciences
Classification: Likely benign for LAMA3-related condition. Last evaluated: 2025-05-27. Review status: criteria provided, single submitter. Criteria: ACMG Guidelines, 2015. Collection method: clinical testing. Allele origin: germline.
Comment: This variant is classified as likely benign based on ACMG/AMP sequence variant interpretation guidelines (Richards et al. 2015 PMID: 25741868, with internal and published modifications).

Breakthrough Genomics
Classification: Likely benign. Review status: criteria provided, single submitter. Criteria: ACMG Guidelines, 2015. Collection method: not provided. Allele origin: germline. Inheritance: Autosomal recessive inheritance. Affected: yes.